The following is an entry in ClinVar:

ClinVar aggregate classification (germline): Uncertain significance. Review status: criteria provided, multiple submitters, no conflicts (2 of 4 stars). 2 submissions from 2 submitters: Uncertain significance (2). Last evaluated 2024-12-15.

Conditions:
Inborn genetic diseases. Identifiers: MedGen C0950123, MeSH D030342.
Congenital myopathy with internal nuclei and atypical cores. Also called: Myopathy, centronuclear, 4. Identifiers: Orphanet 319160, MedGen C4707232, MONDO:0013890, OMIM 614807.

Allele frequency attached by ClinVar (database versions not stated): gnomAD exomes below 0.00001.
gnomAD v4.1: 1 of 1,606,464 alleles (0.000062%); highest among the groups gnomAD compares: Non-Finnish European, 0.000085%; no homozygotes.

Submissions (2):

Ambry Genetics
Classification: Uncertain significance for Inborn genetic diseases. Last evaluated: 2024-12-15. Review status: criteria provided, single submitter. Criteria: Ambry Variant Classification Scheme 2023. Collection method: clinical testing. Allele origin: germline.

Labcorp Genetics (formerly Invitae), Labcorp
Classification: Uncertain significance for Congenital myopathy with internal nuclei and atypical cores. Last evaluated: 2023-02-26. Review status: criteria provided, single submitter. Criteria: Invitae Variant Classification Sherloc (09022015). Collection method: clinical testing. Allele origin: germline.
Comment: In summary, the available evidence is currently insufficient to determine the role of this variant in disease. Therefore, it has been classified as a Variant of Uncertain Significance. Advanced modeling of protein sequence and biophysical properties (such as structural, functional, and spatial information, amino acid conservation, physicochemical variation, residue mobility, and thermodynamic stability) performed at Invitae indicates that this missense variant is not expected to disrupt CCDC78 protein function. This variant has not been reported in the literature in individuals affected with CCDC78-related conditions. This variant is present in population databases (no rsID available, gnomAD 0.0009%). This sequence change replaces aspartic acid, which is acidic and polar, with asparagine, which is neutral and polar, at codon 280 of the CCDC78 protein (p.Asp280Asn).

NM_001378030.1(CCDC78):c.838G>A (p.Asp280Asn)

Gene: CCDC78 (coiled-coil domain containing 78; minus strand). Cytogenetic location: 16p13.3.
Variant type: single nucleotide variant.
Coding change: c.838G>A on transcript NM_001378030.1 (MANE Select); coding-DNA position 838, G replaced by A.
Protein change: p.Asp280Asn; replaces aspartic acid 280 with asparagine.
Molecular consequence: missense variant. On other transcripts: non-coding transcript variant (5).
Genome position (GRCh38, 1-based): chr16:724,437, C>T on the plus strand (G>A on the coding strand, the complement: CCDC78 is on the minus strand). VCF-style: chr16-724437-C-T. GRCh37 (hg19) VCF-style: chr16-774437-C-T.
Other names: c.838G>A, p.Asp280Asn (NM_001031737.3, NM_001378031.1); c.271G>A, p.Asp91Asn (NM_001378033.1); c.838G>A (NM_001031737.2); short protein forms D91N, D280N.
Identifiers: ClinVar variation 2841112 (VCV002841112.4), dbSNP rs1391641251, ClinGen allele CA394100548.
Genomic context (GRCh38, chr16:724,437, plus strand): 5'-GGTAGCTGCGGGCAGCCCGGGCCAGCTGCTGCTCACGGCTGCGGTGCGCTGCCCGGATGT[C>T]CTCCAGAGTCGCCTCCAGGAATGTCCGGAGGGCCGTGGTGGCTGGCGCTTGGCCTGCACC-3'
Protein context (NP_001364959.1, residues 270-290): LRTFLEATLE[Asp280Asn]IRAAHRSREQ